The following is an entry in ClinVar:

ClinVar aggregate classification (germline): Uncertain significance. Review status: criteria provided, multiple submitters, no conflicts (2 of 4 stars). 2 submissions from 2 submitters: Uncertain significance (2). Last evaluated 2021-06-28.

Conditions:
Glycogen storage disease, type II (IOPD). Also called: Glucosidase acid-1,4-alpha deficiency; Pompe Disease; POMPE DISEASE, INFANTILE-ONSET; GLYCOGEN STORAGE DISEASE II, INFANTILE-ONSET; ACID ALPHA-GLUCOSIDASE DEFICIENCY, INFANTILE-ONSET; GAA DEFICIENCY, INFANTILE-ONSET. Identifiers: Orphanet 365, MedGen C0017921, MONDO:0009290, OMIM 232300.

Allele frequency attached by ClinVar (database versions not stated): gnomAD exomes below 0.00001.
gnomAD v4.1: 2 of 1,614,060 alleles (0.00012%); highest among the groups gnomAD compares: Non-Finnish European, 0.00017%; no homozygotes.

Submissions (2):

GeneDx
Classification: Uncertain significance. Last evaluated: 2021-06-28. Review status: criteria provided, single submitter. Criteria: GeneDx Variant Classification Process June 2021. Collection method: clinical testing. Allele origin: germline. Affected: yes.
Comment: Not observed at significant frequency in large population cohorts (Lek et al., 2016); In silico analysis supports that this missense variant does not alter protein structure/function; Has not been previously published as pathogenic or benign to our knowledge; This variant is associated with the following publications: (PMID: 19343043, 22253258, 27535533)

Labcorp Genetics (formerly Invitae), Labcorp
Classification: Uncertain significance for Glycogen storage disease, type II. Last evaluated: 2019-02-14. Review status: criteria provided, single submitter. Criteria: Invitae Variant Classification Sherloc (09022015). Collection method: clinical testing. Allele origin: germline.
Comment: In summary, the available evidence is currently insufficient to determine the role of this variant in disease. Therefore, it has been classified as a Variant of Uncertain Significance. Algorithms developed to predict the effect of missense changes on protein structure and function output the following: SIFT: "Tolerated"; PolyPhen-2: "Benign"; Align-GVGD: "Class C0". The valine amino acid residue is found in multiple mammalian species, suggesting that this missense change does not adversely affect protein function. These predictions have not been confirmed by published functional studies and their clinical significance is uncertain. This variant has not been reported in the literature in individuals with GAA-related conditions. This variant is not present in population databases (ExAC no frequency). This sequence change replaces alanine with valine at codon 486 of the GAA protein (p.Ala486Val). The alanine residue is moderately conserved and there is a small physicochemical difference between alanine and valine.

NM_000152.5(GAA):c.1457C>T (p.Ala486Val)

Gene: GAA (alpha glucosidase; plus strand). Cytogenetic location: 17q25.3.
Variant type: single nucleotide variant.
Coding change: c.1457C>T on transcript NM_000152.5 (MANE Select); coding-DNA position 1457, C replaced by T.
Protein change: p.Ala486Val; replaces alanine 486 with valine.
Molecular consequence: missense variant.
Genome position (GRCh38, 1-based): chr17:80,110,746, C>T. VCF-style: chr17-80110746-C-T. GRCh37 (hg19) VCF-style: chr17-78084545-C-T.
Other names: c.1457C>T, p.Ala486Val (NM_001079803.3, NM_001079804.3); short protein forms A486V.
Identifiers: ClinVar variation 843541 (VCV000843541.11), dbSNP rs2039213698, ClinGen allele CA401366842.